The following is an entry in ClinVar:

NM_001370100.5(ZMYND11):c.1642A>G (p.Thr548Ala)

Genes: ZMYND11 (zinc finger MYND-type containing 11; plus strand), LOC126860802 (BRD4-independent group 4 enhancer GRCh37_chr10:294268-295467; plus strand). Cytogenetic location: 10p15.3.
Variant type: single nucleotide variant.
Coding change: c.1642A>G on transcript NM_001370100.5 (MANE Select); coding-DNA position 1642, A replaced by G.
Protein change: p.Thr548Ala; replaces threonine 548 with alanine.
Molecular consequence: missense variant. On other transcripts: non-coding transcript variant (1).
Genome position (GRCh38, 1-based): chr10:249,044, A>G. VCF-style: chr10-249044-A-G. GRCh37 (hg19) VCF-style: chr10-294984-A-G.
Other names: c.1480A>G, p.Thr494Ala (NM_001202464.3, NM_001202467.1, NM_001370103.2 and 6 more transcripts); c.1387A>G, p.Thr463Ala (NM_001202465.3, NM_001370110.2); c.1477A>G, p.Thr493Ala (NM_001202466.3, NM_001370111.2); c.1642A>G, p.Thr548Ala (NM_001202468.1, NM_001370097.3, NM_001370098.2 and 4 more transcripts); c.1591A>G, p.Thr531Ala (NM_001330057.3, NM_001370112.2); c.1549A>G, p.Thr517Ala (NM_001370113.2, NM_001370114.2); c.1639A>G, p.Thr547Ala (NM_001370115.2, NM_212479.4); c.1576A>G, p.Thr526Ala (NM_001370116.2); and 8 more; short protein forms T463A, T526A, T531A, T429A, T454A, T493A, T547A, T446A.
Identifiers: ClinVar variation 5007951 (VCV005007951.1).

ClinVar aggregate classification (germline): Uncertain significance (1 of 4 stars; one submission).

gnomAD v4.1: 1 of 1,614,226 alleles (0.000062%); highest among the groups gnomAD compares: Non-Finnish European, 0.000085%; no homozygotes.

Submission:

GeneDx
Classification: Uncertain significance. Last evaluated: 2026-02-24. Review status: criteria provided, single submitter. Criteria: GeneDx Variant Classification Process June 2021. Collection method: clinical testing. Allele origin: germline.
Comment: Not observed at significant frequency in large population cohorts (gnomAD); In silico analysis suggests that this missense variant does not alter protein structure/function; Has not been previously published as pathogenic or benign to our knowledge